The following is an entry in ClinVar:

NM_201548.5(CERKL):c.108G>T (p.Pro36=)

Gene: CERKL (CERK like autophagy regulator; minus strand). Cytogenetic location: 2q31.3.
Variant type: single nucleotide variant.
Coding change: c.108G>T on transcript NM_201548.5 (MANE Select); coding-DNA position 108, G replaced by T.
Protein change: p.Pro36=; no amino-acid change (proline 36 retained).
Molecular consequence: synonymous variant. On other transcripts: non-coding transcript variant (2).
Genome position (GRCh38, 1-based): chr2:181,656,899, C>A on the plus strand (G>T on the coding strand, the complement: CERKL is on the minus strand). VCF-style: chr2-181656899-C-A. GRCh37 (hg19) VCF-style: chr2-182521626-C-A.
Other names: c.108G>T, p.Pro36= (NM_001030311.3, NM_001030312.3, NM_001030313.3 and 1 more transcripts); c.108G>T (NM_001030311.2).
Identifiers: ClinVar variation 1592456 (VCV001592456.9), dbSNP rs912235455, ClinGen allele CA61639617.

ClinVar aggregate classification (germline): Likely benign. Review status: criteria provided, multiple submitters, no conflicts (2 of 4 stars). 2 submissions from 2 submitters: Likely benign (2). Last evaluated 2026-09-17.

Conditions:
CERKL-related disorder. Also called: CERKL-related condition.

Allele frequency attached by ClinVar (database versions not stated): gnomAD 0.00002; TOPMed 0.00007.

Submissions (2):

PreventionGenetics, part of Exact Sciences
Classification: Likely benign for CERKL-related condition. Last evaluated: 2026-09-17. Review status: criteria provided, single submitter. Criteria: ACMG Guidelines, 2015. Collection method: clinical testing. Allele origin: germline.
Comment: This variant is classified as likely benign based on ACMG/AMP sequence variant interpretation guidelines (Richards et al. 2015 PMID: 25741868, with internal and published modifications).

Labcorp Genetics (formerly Invitae), Labcorp
Classification: Likely benign. Last evaluated: 2024-01-15. Review status: criteria provided, single submitter. Criteria: Invitae Variant Classification Sherloc (09022015). Collection method: clinical testing. Allele origin: germline.